The following is an entry in ClinVar:

NM_133510.4(RAD51B):c.883G>A (p.Ala295Thr)

Gene: RAD51B (RAD51 paralog B; plus strand). Cytogenetic location: 14q24.1.
Variant type: single nucleotide variant.
Coding change: c.883G>A on transcript NM_133510.4 (MANE Select); coding-DNA position 883, G replaced by A.
Protein change: p.Ala295Thr; replaces alanine 295 with threonine.
Molecular consequence: missense variant.
Genome position (GRCh38, 1-based): chr14:68,411,453, G>A. VCF-style: chr14-68411453-G-A. GRCh37 (hg19) VCF-style: chr14-68878170-G-A.
Other names: c.883G>A, p.Ala295Thr (NM_001321809.2, NM_001321810.2, NM_001321812.1 and 6 more transcripts); c.769G>A, p.Ala257Thr (NM_001321815.1); c.526G>A, p.Ala176Thr (NM_001321817.2); short protein forms A295T, A176T, A257T.
Identifiers: ClinVar variation 3429605 (VCV003429605.1).

ClinVar aggregate classification (germline): Uncertain significance (1 of 4 stars; one submission).

Submission:

Ambry Genetics
Classification: Uncertain significance. Last evaluated: 2024-08-23. Review status: criteria provided, single submitter. Criteria: Ambry Variant Classification Scheme 2023. Collection method: clinical testing. Allele origin: germline.
Comment: The p.A295T variant (also known as c.883G>A), located in coding exon 8 of the RAD51B gene, results from a G to A substitution at nucleotide position 883. The alanine at codon 295 is replaced by threonine, an amino acid with similar properties. This amino acid position is highly conserved in available vertebrate species. In addition, the in silico prediction for this alteration is inconclusive. Based on the available evidence, the clinical significance of this variant remains unclear.